The following is an entry in ClinVar:

ClinVar aggregate classification (germline): Benign (1 of 4 stars; one submission).

Conditions:
Hypercholesterolemia, familial, 4 (FHCL4). Also called: HYPERCHOLESTEROLEMIA, AUTOSOMAL RECESSIVE, 1; HYPERCHOLESTEROLEMIA, AUTOSOMAL RECESSIVE, 2. Identifiers: Orphanet 391665, MedGen C1863512, MONDO:0011374, OMIM 603813.

Allele frequency attached by ClinVar (database versions not stated): 1000 Genomes Project 0.01138; 1000 Genomes Project 30x 0.01187; gnomAD 0.01293 and 0.01400; TOPMed 0.01572.

Submission:

Illumina Laboratory Services, Illumina
Classification: Benign for Hypercholesterolemia, familial, 4. Last evaluated: 2018-01-13. Review status: criteria provided, single submitter. Criteria: ICSL Variant Classification Criteria 13 December 2019. Collection method: clinical testing. Allele origin: germline.
Comment: This variant was observed in the ICSL laboratory as part of a predisposition screen in an ostensibly healthy population. It had not been previously curated by ICSL or reported in the Human Gene Mutation Database (HGMD: prior to June 1st, 2018), and was therefore a candidate for classification through an automated scoring system. Utilizing variant allele frequency, disease prevalence and penetrance estimates, and inheritance mode, an automated score was calculated to assess if this variant is too frequent to cause the disease. Based on the score and internal cut-off values, a variant classified as benign is not then subjected to further curation. The score for this variant resulted in a classification of benign for this disease.

NM_015627.3(LDLRAP1):c.*1793C>T

Gene: LDLRAP1 (low density lipoprotein receptor adaptor protein 1; plus strand). Cytogenetic location: 1p36.11.
Variant type: single nucleotide variant.
Coding change: c.*1793C>T on transcript NM_015627.3 (MANE Select); 1793 bases downstream of the stop codon, C replaced by T.
Molecular consequence: 3 prime UTR variant.
Genome position (GRCh38, 1-based): chr1:25,568,785, C>T. VCF-style: chr1-25568785-C-T. GRCh37 (hg19) VCF-style: chr1-25895276-C-T.
Identifiers: ClinVar variation 876222 (VCV000876222.4), dbSNP rs10062, ClinGen allele CA10874821.